The following is an entry in ClinVar:

ClinVar aggregate classification (germline): Pathogenic (1 of 4 stars; one submission).

gnomAD v4.1: 34 of 1,594,772 alleles (0.0021%); highest among the groups gnomAD compares: Non-Finnish European, 0.0028%; no homozygotes.

Submission:

Labcorp Genetics (formerly Invitae), Labcorp
Classification: Pathogenic. Last evaluated: 2025-05-08. Review status: criteria provided, single submitter. Criteria: Invitae Variant Classification Sherloc (09022015). Collection method: clinical testing. Allele origin: germline.
Comment: This sequence change creates a premature translational stop signal (p.Trp141*) in the IARS gene. It is expected to result in an absent or disrupted protein product. Loss-of-function variants in IARS are known to be pathogenic (PMID: 27426735, 27891590). The frequency data for this variant in the population databases is considered unreliable, as metrics indicate poor data quality at this position in the gnomAD database. This variant has not been reported in the literature in individuals affected with IARS-related conditions. Algorithms developed to predict the effect of sequence changes on RNA splicing suggest that this variant may disrupt the consensus splice site. For these reasons, this variant has been classified as Pathogenic.

Literature cited by the submitters: PubMed 27426735; PubMed 27891590.

NM_002161.6(IARS1):c.423G>A (p.Trp141Ter)

Gene: IARS1 (isoleucyl-tRNA synthetase 1; minus strand). Cytogenetic location: 9q22.31.
Variant type: single nucleotide variant.
Coding change: c.423G>A on transcript NM_002161.6 (MANE Select); coding-DNA position 423, G replaced by A.
Protein change: p.Trp141Ter; replaces tryptophan 141 with a stop codon.
Molecular consequence: nonsense. On other transcripts: non-coding transcript variant (1).
Genome position (GRCh38, 1-based): chr9:92,286,592, C>T on the plus strand (G>A on the coding strand, the complement: IARS1 is on the minus strand). VCF-style: chr9-92286592-C-T. GRCh37 (hg19) VCF-style: chr9-95048874-C-T.
Other names: c.423G>A, p.Trp141Ter (NM_001374299.1, NM_001374300.1, NM_001374301.1 and 15 more transcripts); c.486G>A, p.Trp162Ter (NM_001378569.1); c.300G>A, p.Trp100Ter (NM_001378583.1); short protein forms W141*, W100*, W162*.
Identifiers: ClinVar variation 4691244 (VCV004691244.1).